The following is an entry in ClinVar:

NM_006767.4(LZTR1):c.2396A>C (p.Gln799Pro)

Gene: LZTR1 (leucine zipper like post translational regulator 1; plus strand). Cytogenetic location: 22q11.21.
Variant type: single nucleotide variant.
Coding change: c.2396A>C on transcript NM_006767.4 (MANE Select); coding-DNA position 2396, A replaced by C.
Protein change: p.Gln799Pro; replaces glutamine 799 with proline.
Molecular consequence: missense variant.
Genome position (GRCh38, 1-based): chr22:20,996,956, A>C. VCF-style: chr22-20996956-A-C. GRCh37 (hg19) VCF-style: chr22-21351245-A-C.
Other names: c.2396A>C (NM_006767.3); short protein forms Q799P.
Identifiers: ClinVar variation 2911355 (VCV002911355.4), dbSNP rs2518626153, ClinGen allele CA410781227.

ClinVar aggregate classification (germline): Uncertain significance. Review status: criteria provided, multiple submitters, no conflicts (2 of 4 stars). 2 submissions from 2 submitters: Uncertain significance (2). Last evaluated 2025-10-20.

Conditions:
Hereditary cancer-predisposing syndrome. Also called: Hereditary Cancer Syndrome; Tumor predisposition; Hereditary neoplastic syndrome; Neoplastic Syndromes, Hereditary. Identifiers: Orphanet 140162, MedGen C0027672, MeSH D009386, MONDO:0015356.
Cardiovascular phenotype. Identifiers: MedGen CN230736.

Submissions (2):

Labcorp Genetics (formerly Invitae), Labcorp
Classification: Uncertain significance. Last evaluated: 2025-10-20. Review status: criteria provided, single submitter. Criteria: Invitae Variant Classification Sherloc (09022015). Collection method: clinical testing. Allele origin: germline.
Comment: This sequence change replaces glutamine, which is neutral and polar, with proline, which is neutral and non-polar, at codon 799 of the LZTR1 protein (p.Gln799Pro). This variant is not present in population databases (gnomAD no frequency). This variant has not been reported in the literature in individuals affected with LZTR1-related conditions. ClinVar contains an entry for this variant (Variation ID: 2911355). Invitae Evidence Modeling of protein sequence and biophysical properties (such as structural, functional, and spatial information, amino acid conservation, physicochemical variation, residue mobility, and thermodynamic stability) indicates that this missense variant is not expected to disrupt LZTR1 protein function with a negative predictive value of 80%. In summary, the available evidence is currently insufficient to determine the role of this variant in disease. Therefore, it has been classified as a Variant of Uncertain Significance.

Ambry Genetics
Classification: Uncertain significance for Cardiovascular phenotype; Hereditary cancer-predisposing syndrome. Last evaluated: 2024-10-19. Review status: criteria provided, single submitter. Criteria: Ambry Variant Classification Scheme 2023. Collection method: clinical testing. Allele origin: germline.
Comment: The p.Q799P variant (also known as c.2396A>C), located in coding exon 20 of the LZTR1 gene, results from an A to C substitution at nucleotide position 2396. The glutamine at codon 799 is replaced by proline, an amino acid with similar properties. This amino acid position is conserved. In addition, the in silico prediction for this alteration is inconclusive. Based on the available evidence, the clinical significance of this variant remains unclear.